The following is an entry in ClinVar:

ClinVar aggregate classification (germline): Uncertain significance (1 of 4 stars; one submission).

Conditions:
Oligodontia-cancer predisposition syndrome. Also called: TOOTH AGENESIS-COLORECTAL CANCER SYNDROME. Identifiers: Orphanet 300576, MedGen C1837750, MONDO:0012075, OMIM 608615. Disease mechanism: loss of function.

Submission:

Labcorp Genetics (formerly Invitae), Labcorp
Classification: Uncertain significance for Oligodontia-cancer predisposition syndrome. Last evaluated: 2025-07-30. Review status: criteria provided, single submitter. Criteria: Invitae Variant Classification Sherloc (09022015). Collection method: clinical testing. Allele origin: germline.
Comment: This sequence change replaces leucine, which is neutral and non-polar, with phenylalanine, which is neutral and non-polar, at codon 764 of the AXIN2 protein (p.Leu764Phe). This variant is not present in population databases (gnomAD no frequency). This variant has not been reported in the literature in individuals affected with AXIN2-related conditions. ClinVar contains an entry for this variant (Variation ID: 3616246). Invitae Evidence Modeling of protein sequence and biophysical properties (such as structural, functional, and spatial information, amino acid conservation, physicochemical variation, residue mobility, and thermodynamic stability) has been performed for this missense variant. However, the output from this modeling did not meet the statistical confidence thresholds required to predict the impact of this variant on AXIN2 protein function. In summary, the available evidence is currently insufficient to determine the role of this variant in disease. Therefore, it has been classified as a Variant of Uncertain Significance.

NM_004655.4(AXIN2):c.2292G>C (p.Leu764Phe)

Gene: AXIN2 (axin 2; minus strand). Cytogenetic location: 17q24.1.
Variant type: single nucleotide variant.
Coding change: c.2292G>C on transcript NM_004655.4 (MANE Select); coding-DNA position 2292, G replaced by C.
Protein change: p.Leu764Phe; replaces leucine 764 with phenylalanine.
Molecular consequence: missense variant.
Genome position (GRCh38, 1-based): chr17:65,534,025, C>G on the plus strand (G>C on the coding strand, the complement: AXIN2 is on the minus strand). VCF-style: chr17-65534025-C-G. GRCh37 (hg19) VCF-style: chr17-63530143-C-G.
Other names: c.2097G>C, p.Leu699Phe (NM_001363813.1); short protein forms L699F, L764F.
Identifiers: ClinVar variation 3616246 (VCV003616246.2).